The following is an entry in ClinVar:

NM_007373.4(SHOC2):c.1422+5A>G

Gene: SHOC2 (SHOC2 leucine rich repeat scaffold protein; plus strand). Cytogenetic location: 10q25.2.
Variant type: single nucleotide variant.
Coding change: c.1422+5A>G on transcript NM_007373.4 (MANE Select); 5 bases into the intron after coding-DNA position 1422, A replaced by G.
Molecular consequence: intron variant.
Genome position (GRCh38, 1-based): chr10:111,009,390, A>G. VCF-style: chr10-111009390-A-G. GRCh37 (hg19) VCF-style: chr10-112769148-A-G.
Other names: c.1422+5A>G (NM_001324336.2, NM_001324337.2); c.1284+5A>G (NM_001269039.3).
Identifiers: ClinVar variation 3049667 (VCV003049667.2), dbSNP rs1369685354, ClinGen allele CA596019062.
Genomic context (GRCh38, chr10:111,009,390, plus strand): 5'-AAGAGAACAAATTGGAATCCTTGCCAAATGAAATTGCATATCTTAAGGATTTACAGGTAA[A>G]CATTATGCTGATTTTGTAGTTTTATAAAGTTTTTGGAATCTGTTCCAAATTCCACATTTC-3'

ClinVar aggregate classification (germline): Likely benign (0 of 4 stars; one submission).

Conditions:
SHOC2-related disorder. Also called: SHOC2-related condition.

Allele frequency attached by ClinVar (database versions not stated): gnomAD 0.00001.
gnomAD v4.1: 4 of 1,605,324 alleles (0.00025%); highest among the groups gnomAD compares: Admixed American, 0.0033%; no homozygotes.

Submission:

PreventionGenetics, part of Exact Sciences
Classification: Likely benign for SHOC2-related condition. Last evaluated: 2022-06-20. Review status: no assertion criteria provided. Collection method: clinical testing. Allele origin: germline.
Comment: This variant is classified as likely benign based on ACMG/AMP sequence variant interpretation guidelines (Richards et al. 2015 PMID: 25741868, with internal and published modifications).